The following is an entry in ClinVar:

NM_001323289.2(CDKL5):c.1341del (p.Phe447fs)

Gene: CDKL5 (cyclin dependent kinase like 5; plus strand). Cytogenetic location: Xp22.13.
Variant type: Deletion.
Coding change: c.1341del on transcript NM_001323289.2 (MANE Select); coding-DNA position 1341, one base deleted (C; older notation c.1341delC).
Protein change: p.Phe447fs; shifts the reading frame from phenylalanine 447.
Molecular consequence: frameshift variant.
Genome position (GRCh38, 1-based): chrX:18,604,265, C deleted. VCF-style (leftmost placement, unchanged base first): chrX-18604264-TC-T. GRCh37 (hg19) VCF-style: chrX-18622384-TC-T.
Other names: NM_001323289.2(CDKL5):c.1341del; p.Phe447fs; c.1341del, p.Phe447fs (NM_001037343.2, NM_003159.3); c.1341delC (NM_003159.2); short protein forms F447fs.
Identifiers: ClinVar variation 189555 (VCV000189555.3), dbSNP rs786204968, ClinGen allele CA199376.

ClinVar aggregate classification (germline): Likely pathogenic. Review status: criteria provided, single submitter (1 of 4 stars). 2 submissions from 2 submitters: Likely pathogenic (1). 1 of the submissions does not count toward it. Last evaluated 2024-09-13.

Conditions:
CDKL5 disorder. Identifiers: MedGen CN296942, MONDO:0100039.
Atypical Rett syndrome. Also called: Rett like syndrome; Variant Rett Syndrome. Identifiers: Orphanet 3095, MedGen C2748910, MONDO:0017746.

Submissions (2):

Centre for Population Genomics, CPG
Classification: Likely pathogenic for CDKL5 disorder. Last evaluated: 2024-09-13. Review status: criteria provided, single submitter. Criteria: McKnight et al. (Hum Mutat. 2022). Collection method: curation. Allele origin: germline. Inheritance: X-linked inheritance.
Comment: This variant has been collected from RettBASE and curated to current modified ACMG/AMP criteria. Based on the classification scheme defined by the ClinGen Rett/Angelman-like Expert Panel for Rett/AS-like Disorders Specifications to the ACMG/AMP Variant Interpretation Guidelines VCEP 3.0, this variant is classified as likely pathogenic. At least the following criteria are met: Predicted to result in loss of function, and LOF is a known mechanism of disease (PVS1). This variant is absent from gnomAD (PM2_Supporting).

RettBASE
Classification: Pathogenic for Atypical Rett syndrome. Last evaluated: 2014-05-15. Review status: no assertion criteria provided. Collection method: curation. Allele origin: de novo. Affected: yes. Observed: 1 variant allele. Not counted in ClinVar's aggregate classification.